The following is an entry in ClinVar:

ClinVar aggregate classification (germline): Likely benign (1 of 4 stars; one submission).

gnomAD v4.1: 17 of 1,186,079 alleles (0.0014%); highest among the groups gnomAD compares: Non-Finnish European, 0.0019%; no homozygotes.

Submission:

CeGaT Center for Human Genetics Tuebingen
Classification: Likely benign. Last evaluated: 2023-04-01. Review status: criteria provided, single submitter. Criteria: CeGaT Center For Human Genetics Tuebingen Variant Classification Criteria Version 2. Collection method: clinical testing. Allele origin: germline. Affected: yes. Observed: 1 variant allele.
Comment: ARHGAP4: BP4, BP7

NM_001666.5(ARHGAP4):c.2412C>A (p.Ala804=)

Gene: ARHGAP4 (Rho GTPase activating protein 4; minus strand). Cytogenetic location: Xq28.
Variant type: single nucleotide variant.
Coding change: c.2412C>A on transcript NM_001666.5 (MANE Select); coding-DNA position 2412, C replaced by A.
Protein change: p.Ala804=; no amino-acid change (alanine 804 retained).
Molecular consequence: synonymous variant.
Genome position (GRCh38, 1-based): chrX:153,909,743, G>T on the plus strand (C>A on the coding strand, the complement: ARHGAP4 is on the minus strand). VCF-style: chrX-153909743-G-T. GRCh37 (hg19) VCF-style: chrX-153175197-G-T.
Other names: c.2532C>A, p.Ala844= (NM_001164741.2).
Identifiers: ClinVar variation 2661750 (VCV002661750.24), dbSNP rs782163114, ClinGen allele CA519671710.